The following is an entry in ClinVar:

ClinVar aggregate classification (germline): Likely benign. Review status: criteria provided, multiple submitters, no conflicts (2 of 4 stars). 2 submissions from 2 submitters: Likely benign (2). Last evaluated 2022-06-20.

Conditions:
Bethlem myopathy 1A. Also called: Bethlem myopathy 1; Bethlem Muscular Dystrophy; MYOPATHY, BENIGN CONGENITAL, WITH CONTRACTURES. Identifiers: Orphanet 610, MedGen CN029274, MONDO:0024530, OMIM 158810.

Allele frequency attached by ClinVar (database versions not stated): TOPMed 0.00001; ExAC 0.00002; gnomAD exomes 0.00002.
gnomAD v4.1: 18 of 1,612,866 alleles (0.0011%); highest among the groups gnomAD compares: East Asian, 0.0067%; no homozygotes.

Submissions (2):

Labcorp Genetics (formerly Invitae), Labcorp
Classification: Likely benign for Bethlem myopathy 1A. Last evaluated: 2022-06-20. Review status: criteria provided, single submitter. Criteria: Invitae Variant Classification Sherloc (09022015). Collection method: clinical testing. Allele origin: germline.

CeGaT Center for Human Genetics Tuebingen
Classification: Likely benign. Last evaluated: 2022-03-01. Review status: criteria provided, single submitter. Criteria: CeGaT Center For Human Genetics Tuebingen Variant Classification Criteria Version 2. Collection method: clinical testing. Allele origin: germline. Affected: yes. Observed: 1 variant allele.
Comment: COL6A2: BP4, BP7

NM_001849.4(COL6A2):c.2271C>T (p.Ile757=)

Gene: COL6A2 (collagen type VI alpha 2 chain; plus strand). Cytogenetic location: 21q22.3.
Variant type: single nucleotide variant.
Coding change: c.2271C>T on transcript NM_001849.4 (MANE Select); coding-DNA position 2271, C replaced by T.
Protein change: p.Ile757=; no amino-acid change (isoleucine 757 retained).
Molecular consequence: synonymous variant.
Genome position (GRCh38, 1-based): chr21:46,126,086, C>T. VCF-style: chr21-46126086-C-T. GRCh37 (hg19) VCF-style: chr21-47546000-C-T.
Other names: c.2271C>T, p.Ile757= (NM_058174.3, NM_058175.3).
Identifiers: ClinVar variation 1149853 (VCV001149853.33), dbSNP rs771683876, ClinGen allele CA10072496.